The following is an entry in ClinVar:

NM_024422.6(DSC2):c.1960G>A (p.Asp654Asn)

Gene: DSC2 (desmocollin 2; minus strand). Cytogenetic location: 18q12.1.
Variant type: single nucleotide variant.
Coding change: c.1960G>A on transcript NM_024422.6 (MANE Select); coding-DNA position 1960, G replaced by A.
Protein change: p.Asp654Asn; replaces aspartic acid 654 with asparagine.
Molecular consequence: missense variant.
Genome position (GRCh38, 1-based): chr18:31,071,770, C>T on the plus strand (G>A on the coding strand, the complement: DSC2 is on the minus strand). VCF-style: chr18-31071770-C-T. GRCh37 (hg19) VCF-style: chr18-28651736-C-T.
Other names: c.1960G>A, p.Asp654Asn (NM_004949.5); c.1960G>A (NM_024422.3); short protein forms D654N.
Identifiers: ClinVar variation 659485 (VCV000659485.7), dbSNP rs1315556709, ClinGen allele CA402113276.

ClinVar aggregate classification (germline): Uncertain significance. Review status: criteria provided, multiple submitters, no conflicts (2 of 4 stars). 4 submissions from 4 submitters: Uncertain significance (4). Last evaluated 2024-12-04.

Conditions:
Cardiovascular phenotype. Identifiers: MedGen CN230736.
Familial isolated arrhythmogenic right ventricular dysplasia. Identifiers: Orphanet 217656, MedGen C4274968, MONDO:0016342.
Arrhythmogenic right ventricular dysplasia 11. Also called: Arrhythmogenic right ventricular dysplasia 11 with mild palmoplantar keratoderma and woolly hair; Arrhythmogenic Right Ventricular Dysplasia/Cardiomyopathy11; ARRHYTHMOGENIC RIGHT VENTRICULAR DYSPLASIA, FAMILIAL, 11. Identifiers: MedGen C1864850, MONDO:0012506, OMIM 610476.

Allele frequency attached by ClinVar (database versions not stated): TOPMed 0.00002.

Submissions (4):

GeneDx
Classification: Uncertain significance. Last evaluated: 2024-12-04. Review status: criteria provided, single submitter. Criteria: GeneDx Variant Classification Process June 2021. Collection method: clinical testing. Allele origin: germline. Affected: yes.
Comment: Not observed at significant frequency in large population cohorts (gnomAD); In silico analysis supports that this missense variant has a deleterious effect on protein structure/function; Has not been previously published as pathogenic or benign to our knowledge

Ambry Genetics
Classification: Uncertain significance for Cardiovascular phenotype. Last evaluated: 2024-10-07. Review status: criteria provided, single submitter. Criteria: Ambry Variant Classification Scheme 2023. Collection method: clinical testing. Allele origin: germline.
Comment: The p.D654N variant (also known as c.1960G>A), located in coding exon 13 of the DSC2 gene, results from a G to A substitution at nucleotide position 1960. The aspartic acid at codon 654 is replaced by asparagine, an amino acid with highly similar properties. This amino acid position is conserved. In addition, the in silico prediction for this alteration is inconclusive. Based on the available evidence, the clinical significance of this variant remains unclear.

Labcorp Genetics (formerly Invitae), Labcorp
Classification: Uncertain significance for Arrhythmogenic right ventricular dysplasia 11. Last evaluated: 2023-05-13. Review status: criteria provided, single submitter. Criteria: Invitae Variant Classification Sherloc (09022015). Collection method: clinical testing. Allele origin: germline.
Comment: Advanced modeling of protein sequence and biophysical properties (such as structural, functional, and spatial information, amino acid conservation, physicochemical variation, residue mobility, and thermodynamic stability) has been performed at Invitae for this missense variant, however the output from this modeling did not meet the statistical confidence thresholds required to predict the impact of this variant on DSC2 protein function. In summary, the available evidence is currently insufficient to determine the role of this variant in disease. Therefore, it has been classified as a Variant of Uncertain Significance. ClinVar contains an entry for this variant (Variation ID: 659485). This sequence change replaces aspartic acid, which is acidic and polar, with asparagine, which is neutral and polar, at codon 654 of the DSC2 protein (p.Asp654Asn). This variant is not present in population databases (gnomAD no frequency). This variant has not been reported in the literature in individuals affected with DSC2-related conditions.

All of Us Research Program, National Institutes of Health
Classification: Uncertain significance for Familial isolated arrhythmogenic right ventricular dysplasia. Last evaluated: 2023-02-24. Review status: criteria provided, single submitter. Criteria: ACMG Guidelines, 2015. Collection method: clinical testing. Allele origin: germline. Inheritance: Autosomal dominant inheritance. Observed: 1 variant allele, 1 heterozygote.
Comment: This missense variant replaces aspartic acid with asparagine at codon 654 of the DSC2 protein. Computational prediction is inconclusive regarding the impact of this variant on protein structure and function (internally defined REVEL score threshold 0.5 < inconclusive < 0.7, PMID: 27666373). To our knowledge, functional studies have not been reported for this variant. This variant has not been reported in individuals affected with DSC2-related disorders in the literature. This variant has not been identified in the general population by the Genome Aggregation Database (gnomAD). The available evidence is insufficient to determine the role of this variant in disease conclusively. Therefore, this variant is classified as a Variant of Uncertain Significance.

This study involves interpretation of variants in research participants for the purpose of population health screening. Participant phenotype was not available at the time of variant classification. Additional details can be found in publication PMID: 35346344, PMCID: PMC8962531